The following is an entry in ClinVar:

NM_001370466.1(NOD2):c.2556_2563delinsAAG (p.Asn853fs)

Gene: NOD2 (nucleotide binding oligomerization domain containing 2; plus strand). Cytogenetic location: 16q12.1.
Variant type: Indel.
Coding change: c.2556_2563delinsAAG on transcript NM_001370466.1 (MANE Select); coding-DNA positions 2556 to 2563, GAATAACT replaced by AAG.
Protein change: p.Asn853fs; shifts the reading frame from asparagine 853.
Molecular consequence: frameshift variant. On other transcripts: non-coding transcript variant (1).
Genome position (GRCh38, 1-based): chr16:50,719,931-50,719,938, GAATAACT replaced by AAG. VCF-style: chr16-50719931-GAATAACT-AAG. GRCh37 (hg19) VCF-style: chr16-50753842-GAATAACT-AAG.
Other names: c.2556_2563delinsAAG, p.Asn853fs (NM_001293557.2); c.2637_2644delGAATAACTinsAAG, p.Asn880Argfs (NM_022162.1); c.2637_2644delinsAAG, p.Asn880fs (NM_022162.3); short protein forms N853fs, N880fs.
Identifiers: ClinVar variation 3573801 (VCV003573801.1).
Genomic context (GRCh38, chr16:50,719,931, plus strand): 5'-CTCCTTTTCTGCCTGCCGCTGTGTTCTCTCAGCCTCCTCTGTCTTCCCTTCCAGGCTGGG[GAATAACT>AAG]ACATCACTGCCGCGGGAGCCCAAGTGCTGGCCGAGGGGCTCCGAGGCAACACCTCCTTGC-3'

ClinVar aggregate classification (germline): Uncertain significance (1 of 4 stars; one submission).

Submission:

GeneDx
Classification: Uncertain significance. Last evaluated: 2024-07-15. Review status: criteria provided, single submitter. Criteria: GeneDx Variant Classification Process June 2021. Collection method: clinical testing. Allele origin: germline. Affected: yes.
Comment: Not observed at significant frequency in large population cohorts (gnomAD); Frameshift variant predicted to result in protein truncation or nonsense mediated decay in a gene or region of a gene for which loss of function is not a well-established mechanism of disease; Has not been previously published as pathogenic or benign to our knowledge